The following is an entry in ClinVar:

NM_000719.7(CACNA1C):c.2T>C (p.Met1Thr)

Gene: CACNA1C (calcium voltage-gated channel subunit alpha1 C; plus strand). Cytogenetic location: 12p13.33.
Variant type: single nucleotide variant.
Coding change: c.2T>C on transcript NM_000719.7 (MANE Select); coding-DNA position 2, T replaced by C.
Protein change: p.Met1Thr; changes the start codon (methionine 1).
Molecular consequence: missense variant, initiator codon variant.
Genome position (GRCh38, 1-based): chr12:2,053,564, T>C. VCF-style: chr12-2053564-T-C. GRCh37 (hg19) VCF-style: chr12-2162730-T-C.
Other names: p.M1T:ATG>ACG; c.2T>C, p.Met1Thr (NM_001129827.2, NM_001129829.2, NM_001129830.3 and 19 more transcripts); short protein forms M1T.
Identifiers: ClinVar variation 190710 (VCV000190710.15), dbSNP rs761378545, ClinGen allele CA301807.

ClinVar aggregate classification (germline): Conflicting classifications of pathogenicity. Review status: criteria provided, conflicting classifications (1 of 4 stars). 5 submissions from 5 submitters: Uncertain significance (4); Likely benign (1). Last evaluated 2025-11-24.

Conditions:
Brugada syndrome 3 (BRGDA3). Identifiers: Orphanet 130, MedGen C2678478, MONDO:0012742, OMIM 611875.
Long QT syndrome 8. Identifiers: MedGen CN260585, MONDO:0032756, OMIM 618447.
Timothy syndrome (TS). Also called: LONG QT SYNDROME WITH SYNDACTYLY. Identifiers: Orphanet 65283, MedGen C1832916, MeSH C536962, MONDO:0010979, OMIM 601005.
Cardiovascular phenotype. Identifiers: MedGen CN230736.
Long QT syndrome (LQTS). Identifiers: MedGen C0023976, MeSH D008133, MONDO:0002442. Disease mechanism: loss of function. Inheritance: Various modes of inheritance.

Allele frequency attached by ClinVar (database versions not stated): gnomAD 0.00001; gnomAD exomes 0.00002 and 0.00006; TOPMed 0.00002; ExAC 0.00004.

Submissions (5):

Labcorp Genetics (formerly Invitae), Labcorp
Classification: Uncertain significance for Long QT syndrome. Last evaluated: 2025-11-24. Review status: criteria provided, single submitter. Criteria: Invitae Variant Classification Sherloc (09022015). Collection method: clinical testing. Allele origin: germline.
Comment: This sequence change affects the initiator codon of the CACNA1C mRNA. This change may impact translation initiation or efficiency. The next in-frame methionine is located at codon 8. This variant is present in population databases (rs761378545, gnomAD 0.004%). This variant has not been reported in the literature in individuals affected with CACNA1C-related conditions. ClinVar contains an entry for this variant (Variation ID: 190710). In summary, the available evidence is currently insufficient to determine the role of this variant in disease. Therefore, it has been classified as a Variant of Uncertain Significance.

GeneDx
Classification: Uncertain significance. Last evaluated: 2024-12-16. Review status: criteria provided, single submitter. Criteria: GeneDx Variant Classification Process June 2021. Collection method: clinical testing. Allele origin: germline. Affected: yes.
Comment: Not observed at significant frequency in large population cohorts (gnomAD); Initiation codon variant in a gene for which loss of function is not a known mechanism of disease; Has not been previously published in association with Timothy syndrome or LQTS to our knowledge; This variant is associated with the following publications: (PMID: 26637798)

Ambry Genetics
Classification: Likely benign for Cardiovascular phenotype. Last evaluated: 2023-01-30. Review status: criteria provided, single submitter. Criteria: Ambry Variant Classification Scheme 2023. Collection method: clinical testing. Allele origin: germline.

AiLife Diagnostics
Classification: Uncertain significance. Last evaluated: 2022-01-27. Review status: criteria provided, single submitter. Criteria: ACMG Guidelines, 2015. Collection method: clinical testing. Allele origin: germline. Affected: yes. Observed: 1 variant allele.

Fulgent Genetics
Classification: Uncertain significance for Timothy syndrome; Brugada syndrome 3; Long QT syndrome 8. Last evaluated: 2021-10-16. Review status: criteria provided, single submitter. Criteria: ACMG Guidelines, 2015. Collection method: clinical testing. Allele origin: unknown.

Literature cited by the submitters: PubMed 26637798 (cited by Ambry Genetics).